The following is an entry in ClinVar:

ClinVar aggregate classification (germline): Uncertain significance (1 of 4 stars; one submission).

Allele frequency attached by ClinVar (database versions not stated): gnomAD exomes below 0.00001; TOPMed 0.00001.
gnomAD v4.1: 5 of 1,614,220 alleles (0.00031%); highest among the groups gnomAD compares: Middle Eastern, 0.033%; no homozygotes.

Submission:

Labcorp Genetics (formerly Invitae), Labcorp
Classification: Uncertain significance. Last evaluated: 2023-01-30. Review status: criteria provided, single submitter. Criteria: Invitae Variant Classification Sherloc (09022015). Collection method: clinical testing. Allele origin: germline.
Comment: This sequence change replaces asparagine, which is neutral and polar, with serine, which is neutral and polar, at codon 769 of the CEP97 protein (p.Asn769Ser). The frequency data for this variant in the population databases is considered unreliable, as metrics indicate poor data quality at this position in the gnomAD database. This variant has not been reported in the literature in individuals affected with CEP97-related conditions. Advanced modeling of protein sequence and biophysical properties (such as structural, functional, and spatial information, amino acid conservation, physicochemical variation, residue mobility, and thermodynamic stability) performed at Invitae indicates that this missense variant is not expected to disrupt CEP97 protein function. In summary, the available evidence is currently insufficient to determine the role of this variant in disease. Therefore, it has been classified as a Variant of Uncertain Significance.

NM_024548.4(CEP97):c.2306A>G (p.Asn769Ser)

Gene: CEP97 (centrosomal protein 97; plus strand). Cytogenetic location: 3q12.3.
Variant type: single nucleotide variant.
Coding change: c.2306A>G on transcript NM_024548.4 (MANE Select); coding-DNA position 2306, A replaced by G.
Protein change: p.Asn769Ser; replaces asparagine 769 with serine.
Molecular consequence: missense variant.
Genome position (GRCh38, 1-based): chr3:101,765,259, A>G. VCF-style: chr3-101765259-A-G. GRCh37 (hg19) VCF-style: chr3-101484103-A-G.
Other names: c.2129A>G, p.Asn710Ser (NM_001303401.2); c.2204A>G, p.Asn735Ser (NM_001410784.1); c.2027A>G, p.Asn676Ser (NM_001410785.1); short protein forms N769S, N676S, N710S, N735S.
Identifiers: ClinVar variation 2722715 (VCV002722715.3), dbSNP rs990321778, ClinGen allele CA79772036.